The following is an entry in ClinVar:

ClinVar aggregate classification (germline): Uncertain significance (1 of 4 stars; one submission).

Submission:

Labcorp Genetics (formerly Invitae), Labcorp
Classification: Uncertain significance. Last evaluated: 2023-05-15. Review status: criteria provided, single submitter. Criteria: Invitae Variant Classification Sherloc (09022015). Collection method: clinical testing. Allele origin: germline.
Comment: This sequence change replaces asparagine, which is neutral and polar, with serine, which is neutral and polar, at codon 861 of the CYFIP2 protein (p.Asn861Ser). This variant is not present in population databases (gnomAD no frequency). This variant has not been reported in the literature in individuals affected with CYFIP2-related conditions. ClinVar contains an entry for this variant (Variation ID: 1722040). Experimental studies and prediction algorithms are not available or were not evaluated, and the functional significance of this variant is currently unknown. In summary, the available evidence is currently insufficient to determine the role of this variant in disease. Therefore, it has been classified as a Variant of Uncertain Significance.

NM_001037333.3(CYFIP2):c.2582A>G (p.Asn861Ser)

Gene: CYFIP2 (cytoplasmic FMR1 interacting protein 2; plus strand). Cytogenetic location: 5q33.3.
Variant type: single nucleotide variant.
Coding change: c.2582A>G on transcript NM_001037333.3 (MANE Select); coding-DNA position 2582, A replaced by G.
Protein change: p.Asn861Ser; replaces asparagine 861 with serine.
Molecular consequence: missense variant.
Genome position (GRCh38, 1-based): chr5:157,339,253, A>G. VCF-style: chr5-157339253-A-G. GRCh37 (hg19) VCF-style: chr5-156766261-A-G.
Other names: c.2504A>G, p.Asn835Ser (NM_001291721.2); c.2657A>G, p.Asn886Ser (NM_001291722.2); c.2582A>G, p.Asn861Ser (NM_014376.4); short protein forms N835S, N861S, N886S.
Identifiers: ClinVar variation 1722040 (VCV001722040.5), dbSNP rs2113229224, ClinGen allele CA361972426.
Genomic context (GRCh38, chr5:157,339,253, plus strand): 5'-ATGTCTTCTGGGAACTGAACTTTGACTTTCTCCCCAACTACTGCTACAATGGGTCCACTA[A>G]CCGGTAAGGGAGTCCCTGTGCAGAGGGGGCCGGGTGGGGGTTGGGGGAGTGGCCAGCTGC-3'
Protein context (NP_001032410.1, residues 851-871): LPNYCYNGST[Asn861Ser]RFVRTAIPFT